The following is an entry in ClinVar:

NM_000075.4(CDK4):c.633-20T>C

Genes: TSPAN31 (tetraspanin 31; plus strand), CDK4 (cyclin dependent kinase 4; minus strand). Cytogenetic location: 12q14.1.
Variant type: single nucleotide variant.
Coding change: c.633-20T>C on transcript NM_000075.4 (MANE Select); 20 bases into the intron before coding-DNA position 633, T replaced by C.
Molecular consequence: intron variant. On other transcripts: 3 prime UTR variant (3).
Genome position (GRCh38, 1-based): chr12:57,749,524, A>G on the plus strand (T>C on the coding strand, the complement: CDK4 is on the minus strand). VCF-style: chr12-57749524-A-G. GRCh37 (hg19) VCF-style: chr12-58143307-A-G.
Other names: c.*2234A>G (NM_001330168.2, NM_001330169.2, NM_005981.5).
Identifiers: ClinVar variation 2181621 (VCV002181621.5), dbSNP rs756713415, ClinGen allele CA6657731.

ClinVar aggregate classification (germline): Likely benign. Review status: criteria provided, multiple submitters, no conflicts (2 of 4 stars). 2 submissions from 2 submitters: Likely benign (2). Last evaluated 2024-11-20.

Conditions:
Familial melanoma. Also called: Hereditary melanoma; Hereditary cutaneous melanoma. Identifiers: Orphanet 618, MedGen C1512419, MONDO:0018961.
Melanoma, cutaneous malignant, susceptibility to, 3. Also called: Cutaneous malignant melanoma 3. Identifiers: Orphanet 618, MedGen C1836892, MONDO:0012183, OMIM 609048.

Allele frequency attached by ClinVar (database versions not stated): gnomAD exomes below 0.00001; ExAC 0.00001.
gnomAD v4.1: 3 of 1,612,674 alleles (0.00019%); highest among the groups gnomAD compares: Non-Finnish European, 0.00025%; no homozygotes.

Submissions (2):

Labcorp Genetics (formerly Invitae), Labcorp
Classification: Likely benign for Familial melanoma. Last evaluated: 2024-11-20. Review status: criteria provided, single submitter. Criteria: Invitae Variant Classification Sherloc (09022015). Collection method: clinical testing. Allele origin: germline.

Myriad Genetics, Inc.
Classification: Likely benign for Melanoma, cutaneous malignant, susceptibility to, 3. Last evaluated: 2024-09-26. Review status: criteria provided, single submitter. Criteria: Myriad Autosomal Dominant, Autosomal Recessive and X-Linked Classification Criteria (2023). Collection method: clinical testing. Allele origin: unknown.
Comment: This variant is considered likely benign. This variant is intronic and is not expected to impact mRNA splicing.